The following is an entry in ClinVar:

NM_004646.4(NPHS1):c.2927+1G>A

Gene: NPHS1 (NPHS1 adhesion molecule, nephrin; minus strand). Cytogenetic location: 19q13.12.
Variant type: single nucleotide variant.
Coding change: c.2927+1G>A on transcript NM_004646.4 (MANE Select); the canonical splice donor site of the intron after coding-DNA position 2927, G replaced by A.
Molecular consequence: splice donor variant.
Genome position (GRCh38, 1-based): chr19:35,839,495, C>T on the plus strand (G>A on the coding strand, the complement: NPHS1 is on the minus strand). VCF-style: chr19-35839495-C-T. GRCh37 (hg19) VCF-style: chr19-36330397-C-T.
Identifiers: ClinVar variation 56491 (VCV000056491.9), dbSNP rs386833930, ClinGen allele CA250216.
Genomic context (GRCh38, chr19:35,839,495, plus strand): 5'-TAGTAAATTCAGGGAAGTGCCCTAGCCCATTCCCTTCCCTCCTGCCTCGACAAGGACCCA[C>T]CTGATGCAGAACCTCTGTGGCAGGCCCCCATCAAAGCCAGGCTTCCACTCCAGCCCCACG-3'

ClinVar aggregate classification (germline): Pathogenic/Likely pathogenic. Review status: criteria provided, multiple submitters, no conflicts (2 of 4 stars). 3 submissions from 3 submitters: Pathogenic (1); Likely pathogenic (1). 1 of the submissions does not count toward it. Last evaluated 2024-07-19.

Conditions:
NPHS1-related disorder. Also called: NPHS1-related condition.
Finnish congenital nephrotic syndrome (NPHS1). Also called: NEPHROTIC SYNDROME, TYPE 1. Identifiers: Orphanet 839, MedGen C0403399, MONDO:0009732, OMIM 256300.

Submissions (3):

Blueprint Genetics
Classification: Pathogenic for NPHS1-related disorders. Last evaluated: 2024-07-19. Review status: criteria provided, single submitter. Criteria: ACMG Guidelines, 2015. Collection method: clinical testing. Allele origin: germline. Affected: yes. Observed: 2 variant alleles.

Labcorp Genetics (formerly Invitae), Labcorp
Classification: Likely pathogenic. Last evaluated: 2021-03-16. Review status: criteria provided, single submitter. Criteria: Invitae Variant Classification Sherloc (09022015). Collection method: clinical testing. Allele origin: germline.
Comment: In summary, the currently available evidence indicates that the variant is pathogenic, but additional data are needed to prove that conclusively. Therefore, this variant has been classified as Likely Pathogenic. Algorithms developed to predict the effect of sequence changes on RNA splicing suggest that this variant may disrupt the consensus splice site, but this prediction has not been confirmed by published transcriptional studies. This variant has been observed in individual(s) with nephrotic syndrome (PMID: 20172850). ClinVar contains an entry for this variant (Variation ID: 56491). This variant is not present in population databases (ExAC no frequency). This sequence change affects a donor splice site in intron 21 of the NPHS1 gene. It is expected to disrupt RNA splicing. Variants that disrupt the donor or acceptor splice site typically lead to a loss of protein function (PMID: 16199547), and loss-of-function variants in NPHS1 are known to be pathogenic (PMID: 11317351, 11854170, 12039988).

Juha Muilu Group; Institute for Molecular Medicine Finland (FIMM)
Classification: Likely pathogenic for Finnish congenital nephrotic syndrome. Review status: no assertion criteria provided. Collection method: not provided. Allele origin: unknown. Not counted in ClinVar's aggregate classification.
Comment: FinDis database variant: This variant was not found or characterized by our laboratory, data were collected from public sources: see reference
ClinVar note: Converted during submission from probable-pathogenic to Likely pathogenic.

Literature cited by the submitters: PubMed 20172850 (cited by Labcorp Genetics (formerly Invitae), Labcorp); PubMed 16199547 (cited by Labcorp Genetics (formerly Invitae), Labcorp); PubMed 11317351 (cited by Labcorp Genetics (formerly Invitae), Labcorp); PubMed 11854170 (cited by Labcorp Genetics (formerly Invitae), Labcorp); PubMed 12039988 (cited by Labcorp Genetics (formerly Invitae), Labcorp).